The following is an entry in ClinVar:

ClinVar aggregate classification (germline): Pathogenic (1 of 4 stars; one submission).

Conditions:
ALG1-congenital disorder of glycosylation. Also called: ALG1-CDG; CDG Ik; CONGENITAL DISORDER OF GLYCOSYLATION, TYPE Ik. Identifiers: Orphanet 79327, MedGen C2931005, MONDO:0012052, OMIM 608540.

Submission:

Labcorp Genetics (formerly Invitae), Labcorp
Classification: Pathogenic for ALG1-congenital disorder of glycosylation. Last evaluated: 2021-10-08. Review status: criteria provided, single submitter. Criteria: Invitae Variant Classification Sherloc (09022015). Collection method: clinical testing. Allele origin: germline.
Comment: This sequence change creates a premature translational stop signal (p.Gly238Argfs*28) in the ALG1 gene. It is expected to result in an absent or disrupted protein product. Loss-of-function variants in ALG1 are known to be pathogenic (PMID: 20679665, 23806237). The frequency data for this variant in the population databases is considered unreliable, as metrics indicate poor data quality at this position in the ExAC database. This variant has not been reported in the literature in individuals affected with ALG1-related conditions. For these reasons, this variant has been classified as Pathogenic.

Literature cited by the submitters: PubMed 20679665; PubMed 23806237.

NM_019109.5(ALG1):c.711_726del (p.Gly238fs)

Gene: ALG1 (ALG1 chitobiosyldiphosphodolichol beta-mannosyltransferase; plus strand). Cytogenetic location: 16p13.3.
Variant type: Deletion.
Coding change: c.711_726del on transcript NM_019109.5 (MANE Select); coding-DNA positions 711 to 726, 16 bases deleted (GGGCAGCATGCACTCT).
Protein change: p.Gly238fs; shifts the reading frame from glycine 238.
Molecular consequence: frameshift variant.
Genome position (GRCh38, 1-based): chr16:5,077,988-5,078,003, GGGCAGCATGCACTCT deleted; deleting any 16 consecutive bases within chr16:5,077,986-5,078,003 gives the same sequence; the c. name uses the placement nearest the transcript's 3' end. VCF-style (leftmost placement, unchanged base first): chr16-5077985-GCTGGGCAGCATGCACT-G. GRCh37 (hg19) VCF-style: chr16-5127986-GCTGGGCAGCATGCACT-G.
Other names: c.378_393del, p.Gly127fs (NM_001330504.2); short protein forms G127fs, G238fs.
Identifiers: ClinVar variation 1421067 (VCV001421067.1), dbSNP rs756236917, ClinGen allele CA7889967.